The following is an entry in ClinVar:

NM_001768.7(CD8A):c.524G>C (p.Arg175Thr)

Gene: CD8A (CD8 subunit alpha; minus strand). Cytogenetic location: 2p11.2.
Variant type: single nucleotide variant.
Coding change: c.524G>C on transcript NM_001768.7 (MANE Select); coding-DNA position 524, G replaced by C.
Protein change: p.Arg175Thr; replaces arginine 175 with threonine.
Molecular consequence: missense variant. On other transcripts: non-coding transcript variant (2), intron variant (1).
Genome position (GRCh38, 1-based): chr2:86,789,424, C>G on the plus strand (G>C on the coding strand, the complement: CD8A is on the minus strand). VCF-style: chr2-86789424-C-G. GRCh37 (hg19) VCF-style: chr2-87016547-C-G.
Other names: c.524G>C, p.Arg175Thr (NM_001145873.1, NM_001382698.1); c.514+216G>C (NM_171827.4); short protein forms R175T.
Identifiers: ClinVar variation 836144 (VCV000836144.10), dbSNP rs866444313, ClinGen allele CA51406893.

ClinVar aggregate classification (germline): Uncertain significance (1 of 4 stars; one submission).

Conditions:
Susceptibility to respiratory infections associated with CD8alpha chain mutation (IMD116). Also called: Cd8 deficiency, familial; IMMUNODEFICIENCY 116. Identifiers: Orphanet 169085, MedGen C1837065, MONDO:0012161, OMIM 608957.

Allele frequency attached by ClinVar (database versions not stated): TOPMed below 0.00001; gnomAD exomes 0.00002.
gnomAD v4.1: 21 of 1,612,712 alleles (0.0013%); highest among the groups gnomAD compares: South Asian, 0.015%; no homozygotes.

Submission:

Labcorp Genetics (formerly Invitae), Labcorp
Classification: Uncertain significance for Susceptibility to respiratory infections associated with CD8alpha chain mutation. Last evaluated: 2019-12-03. Review status: criteria provided, single submitter. Criteria: Invitae Variant Classification Sherloc (09022015). Collection method: clinical testing. Allele origin: germline.
Comment: In summary, the available evidence is currently insufficient to determine the role of this variant in disease. Therefore, it has been classified as a Variant of Uncertain Significance. Algorithms developed to predict the effect of missense changes on protein structure and function output the following: SIFT: "Tolerated"; PolyPhen-2: "Benign"; Align-GVGD: "Class C0". The threonine amino acid residue is found in multiple mammalian species, suggesting that this missense change does not adversely affect protein function. These predictions have not been confirmed by published functional studies and their clinical significance is uncertain. This variant has not been reported in the literature in individuals with CD8A-related conditions. This variant is not present in population databases (ExAC no frequency). This sequence change replaces arginine with threonine at codon 175 of the CD8A protein (p.Arg175Thr). The arginine residue is weakly conserved and there is a moderate physicochemical difference between arginine and threonine.